The following is an entry in ClinVar:

NM_000441.2(SLC26A4):c.181G>T (p.Ala61Ser)

Gene: SLC26A4 (solute carrier family 26 member 4; plus strand). Cytogenetic location: 7q22.3.
Variant type: single nucleotide variant.
Coding change: c.181G>T on transcript NM_000441.2 (MANE Select); coding-DNA position 181, G replaced by T.
Protein change: p.Ala61Ser; replaces alanine 61 with serine.
Molecular consequence: missense variant.
Genome position (GRCh38, 1-based): chr7:107,663,312, G>T. VCF-style: chr7-107663312-G-T. GRCh37 (hg19) VCF-style: chr7-107303757-G-T.
Other names: short protein forms A61S.
Identifiers: ClinVar variation 1313782 (VCV001313782.2), dbSNP rs139623905, ClinGen allele CA164209004.

ClinVar aggregate classification (germline): Uncertain significance (1 of 4 stars; one submission).

Allele frequency attached by ClinVar (database versions not stated): gnomAD exomes below 0.00001; ESP Exome Variant Server 0.00008.
gnomAD v4.1: 2 of 1,614,228 alleles (0.00012%); highest among the groups gnomAD compares: Non-Finnish European, 0.00017%; no homozygotes.

Submission:

GeneDx
Classification: Uncertain significance. Last evaluated: 2021-01-11. Review status: criteria provided, single submitter. Criteria: GeneDx Variant Classification Process June 2021. Collection method: clinical testing. Allele origin: germline. Affected: yes.
Comment: Not observed at a significant frequency in large population cohorts (Lek et al., 2016); In silico analysis supports that this missense variant has a deleterious effect on protein structure/function; Has not been previously published as pathogenic or benign to our knowledge